The following is an entry in ClinVar:

NM_002691.4(POLD1):c.1118A>T (p.Lys373Met)

Gene: POLD1 (DNA polymerase delta 1, catalytic subunit; plus strand). Cytogenetic location: 19q13.33.
Variant type: single nucleotide variant.
Coding change: c.1118A>T on transcript NM_002691.4 (MANE Select); coding-DNA position 1118, A replaced by T.
Protein change: p.Lys373Met; replaces lysine 373 with methionine.
Molecular consequence: missense variant. On other transcripts: non-coding transcript variant (1).
Genome position (GRCh38, 1-based): chr19:50,403,200, A>T. VCF-style: chr19-50403200-A-T. GRCh37 (hg19) VCF-style: chr19-50906457-A-T.
Other names: c.1118A>T, p.Lys373Met (NM_001256849.1, NM_001308632.1); short protein forms K373M.
Identifiers: ClinVar variation 3665031 (VCV003665031.2).
Genomic context (GRCh38, chr19:50,403,200, plus strand): 5'-TGGCGCTCACCCTGCGGCCCTGTGCCCCCATCCTGGGTGCCAAGGTGCAGAGCTACGAGA[A>T]GGAGGAGGACCTGCTGCAGGTAGCTCTCGCTCCACGCCCCACACCATTTCCCGGGGTCCC-3'
Protein context (NP_002682.2, residues 363-383): ILGAKVQSYE[Lys373Met]EEDLLQAWST

ClinVar aggregate classification (germline): Uncertain significance (1 of 4 stars; one submission).

Conditions:
POLD1-related polyposis and colorectal cancer syndrome (CRCS10). Also called: Colorectal cancer 10; COLORECTAL CANCER, SUSCEPTIBILITY TO, ON CHROMOSOME 19q; Colorectal cancer, susceptibility to, 10. Identifiers: Orphanet 220460, MedGen C2675481, MONDO:0012953, OMIM 612591.

Submission:

Labcorp Genetics (formerly Invitae), Labcorp
Classification: Uncertain significance for POLD1-related polyposis and colorectal cancer syndrome. Last evaluated: 2024-11-12. Review status: criteria provided, single submitter. Criteria: Invitae Variant Classification Sherloc (09022015). Collection method: clinical testing. Allele origin: germline.
Comment: This sequence change replaces lysine, which is basic and polar, with methionine, which is neutral and non-polar, at codon 373 of the POLD1 protein (p.Lys373Met). This variant is not present in population databases (gnomAD no frequency). This variant has not been reported in the literature in individuals affected with POLD1-related conditions. Invitae Evidence Modeling of protein sequence and biophysical properties (such as structural, functional, and spatial information, amino acid conservation, physicochemical variation, residue mobility, and thermodynamic stability) indicates that this missense variant is not expected to disrupt POLD1 protein function with a negative predictive value of 80%. In summary, the available evidence is currently insufficient to determine the role of this variant in disease. Therefore, it has been classified as a Variant of Uncertain Significance.